The following is an entry in ClinVar:

NM_005159.4(ACTC1):c.*875G>C

Genes: ACTC1 (actin alpha cardiac muscle 1; minus strand), GJD2-DT (GJD2 divergent transcript; plus strand). Cytogenetic location: 15q14.
Variant type: single nucleotide variant.
Coding change: c.*875G>C on transcript NM_005159.4; 875 bases downstream of the stop codon, G replaced by C.
Genome position (GRCh38, 1-based): chr15:34,789,537, C>G on the plus strand (G>C on the coding strand, the complement: ACTC1 is on the minus strand). VCF-style: chr15-34789537-C-G. GRCh37 (hg19) VCF-style: chr15-35081738-C-G.
Identifiers: ClinVar variation 315673 (VCV000315673.7), dbSNP rs73387693, ClinGen allele CA10635857.
Genomic context (GRCh38, chr15:34,789,537, plus strand): 5'-CTTTTCAACGCTGCCCCTAGCAGCCTTCCCACCATACTTTGCAGAGAGCTCTGCACAGAG[C>G]AAAGCAAACACTGTGGCTCTCGCCTCCCCTTGCTCCCTCAGGACCTCGCAGCCTTCAGTT-3'

ClinVar aggregate classification (germline): Benign/Likely benign. Review status: criteria provided, single submitter (1 of 4 stars). 2 submissions from 1 submitter: Benign (1); Likely benign (1). Last evaluated 2018-01-13.

Conditions:
Hypertrophic cardiomyopathy 11. Also called: ACTC1-Related Familial Hypertrophic Cardiomyopathy. Identifiers: MedGen C2677506, MONDO:0012799, OMIM 612098.
Dilated cardiomyopathy 1R (CMD1R). Identifiers: Orphanet 154, Orphanet 54260, MedGen C3150681, MONDO:0013261, OMIM 613424.

Allele frequency attached by ClinVar (database versions not stated): 1000 Genomes Project 0.02276; 1000 Genomes Project 30x 0.02389; TOPMed 0.02383.

Submissions (2):

Illumina Laboratory Services, Illumina
Classification: Benign for Hypertrophic cardiomyopathy 11. Last evaluated: 2018-01-13. Review status: criteria provided, single submitter. Criteria: ICSL Variant Classification Criteria 13 December 2019. Collection method: clinical testing. Allele origin: germline.
Comment: This variant was observed in the ICSL laboratory as part of a predisposition screen in an ostensibly healthy population. It had not been previously curated by ICSL or reported in the Human Gene Mutation Database (HGMD: prior to June 1st, 2018), and was therefore a candidate for classification through an automated scoring system. Utilizing variant allele frequency, disease prevalence and penetrance estimates, and inheritance mode, an automated score was calculated to assess if this variant is too frequent to cause the disease. Based on the score and internal cut-off values, a variant classified as benign is not then subjected to further curation. The score for this variant resulted in a classification of benign for this disease.

Illumina Laboratory Services, Illumina
Classification: Likely benign for Dilated cardiomyopathy 1R. Last evaluated: 2018-01-13. Review status: criteria provided, single submitter. Criteria: ICSL Variant Classification Criteria 13 December 2019. Collection method: clinical testing. Allele origin: germline.
Comment: This variant was observed in the ICSL laboratory as part of a predisposition screen in an ostensibly healthy population. It had not been previously curated by ICSL or reported in the Human Gene Mutation Database (HGMD: prior to June 1st, 2018), and was therefore a candidate for classification through an automated scoring system. Utilizing variant allele frequency, disease prevalence and penetrance estimates, and inheritance mode, an automated score was calculated to assess if this variant is too frequent to cause the disease. Based on the score and internal cut-off values, a variant classified as likely benign is not then subjected to further curation. The score for this variant resulted in a classification of likely benign for this disease.